The following is an entry in ClinVar:

ClinVar aggregate classification (germline): Likely benign. Review status: criteria provided, single submitter (1 of 4 stars). 2 submissions from 2 submitters: Likely benign (1). 1 of the submissions does not count toward it. Last evaluated 2026-01-26.

Conditions:
TCF3-related disorder. Also called: TCF3-related condition.

Allele frequency attached by ClinVar (database versions not stated): gnomAD exomes 0.00002 and 0.00003; ExAC 0.00005; ESP Exome Variant Server 0.00016; TOPMed 0.00019; gnomAD 0.00021 and 0.00023; 1000 Genomes Project 0.00080; 1000 Genomes Project 30x 0.00109.

Submissions (2):

Labcorp Genetics (formerly Invitae), Labcorp
Classification: Likely benign. Last evaluated: 2026-01-26. Review status: criteria provided, single submitter. Criteria: Invitae Variant Classification Sherloc (09022015). Collection method: clinical testing. Allele origin: germline.

PreventionGenetics, part of Exact Sciences
Classification: Likely benign for TCF3-related condition. Last evaluated: 2019-08-12. Review status: no assertion criteria provided. Collection method: clinical testing. Allele origin: germline. Not counted in ClinVar's aggregate classification.
Comment: This variant is classified as likely benign based on ACMG/AMP sequence variant interpretation guidelines (Richards et al. 2015 PMID: 25741868, with internal and published modifications).

NM_003200.5(TCF3):c.1587-4A>G

Gene: TCF3 (transcription factor 3; minus strand). Cytogenetic location: 19p13.3.
Variant type: single nucleotide variant.
Coding change: c.1587-4A>G on transcript NM_003200.5 (MANE Select); 4 bases into the intron before coding-DNA position 1587, A replaced by G.
Molecular consequence: intron variant.
Genome position (GRCh38, 1-based): chr19:1,615,524, T>C on the plus strand (A>G on the coding strand, the complement: TCF3 is on the minus strand). VCF-style: chr19-1615524-T-C. GRCh37 (hg19) VCF-style: chr19-1615523-T-C.
Other names: c.1584-4A>G (NM_001351778.2); c.1586+162A>G (NM_001136139.4, NM_001351779.2); c.1587-4A>G (NM_003200.3).
Identifiers: ClinVar variation 1630959 (VCV001630959.10), dbSNP rs202076298, ClinGen allele CA9049694.